The following is an entry in ClinVar:

NM_001083614.2(EARS2):c.247G>T (p.Val83Phe)

Gene: EARS2 (glutamyl-tRNA synthetase 2, mitochondrial; minus strand). Cytogenetic location: 16p12.2.
Variant type: single nucleotide variant.
Coding change: c.247G>T on transcript NM_001083614.2 (MANE Select); coding-DNA position 247, G replaced by T.
Protein change: p.Val83Phe; replaces valine 83 with phenylalanine.
Molecular consequence: missense variant. On other transcripts: non-coding transcript variant (1).
Genome position (GRCh38, 1-based): chr16:23,552,197, C>A on the plus strand (G>T on the coding strand, the complement: EARS2 is on the minus strand). VCF-style: chr16-23552197-C-A. GRCh37 (hg19) VCF-style: chr16-23563518-C-A.
Other names: c.247G>T, p.Val83Phe (NM_001308211.1, NM_133451.1); short protein forms V83F.
Identifiers: ClinVar variation 2061121 (VCV002061121.4), dbSNP rs774849802, ClinGen allele CA7962664.
Genomic context (GRCh38, chr16:23,552,197, plus strand): 5'-TGCCAGGCTTACCTGCCCACTCCAGCATGTCCTCAATATTCTCCGCTGCCCCAGGCACAA[C>A]GCGAGTCTGATCTGTGTCCTCTAGCCTCAGGATGAAGCTCCCCTGGTACTTCTTAGCAAA-3'
Protein context (NP_001077083.1, residues 73-93): LRLEDTDQTR[Val83Phe]VPGAAENIED

ClinVar aggregate classification (germline): Conflicting classifications of pathogenicity. Review status: criteria provided, conflicting classifications (1 of 4 stars). 2 submissions from 2 submitters: Uncertain significance (1); Likely benign (1). Last evaluated 2024-12-02.

Conditions:
Inborn genetic diseases. Identifiers: MedGen C0950123, MeSH D030342.

Allele frequency attached by ClinVar (database versions not stated): gnomAD 0.00001; TOPMed 0.00005.
gnomAD v4.1: 9 of 1,614,054 alleles (0.00056%); highest among the groups gnomAD compares: Admixed American, 0.0067%; no homozygotes.

Submissions (2):

Labcorp Genetics (formerly Invitae), Labcorp
Classification: Uncertain significance. Last evaluated: 2024-12-02. Review status: criteria provided, single submitter. Criteria: Invitae Variant Classification Sherloc (09022015). Collection method: clinical testing. Allele origin: germline.
Comment: This sequence change replaces valine, which is neutral and non-polar, with phenylalanine, which is neutral and non-polar, at codon 83 of the EARS2 protein (p.Val83Phe). This variant is present in population databases (rs774849802, gnomAD 0.03%). This variant has not been reported in the literature in individuals affected with EARS2-related conditions. ClinVar contains an entry for this variant (Variation ID: 2061121). Invitae Evidence Modeling of protein sequence and biophysical properties (such as structural, functional, and spatial information, amino acid conservation, physicochemical variation, residue mobility, and thermodynamic stability) indicates that this missense variant is not expected to disrupt EARS2 protein function with a negative predictive value of 95%. In summary, the available evidence is currently insufficient to determine the role of this variant in disease. Therefore, it has been classified as a Variant of Uncertain Significance.

Ambry Genetics
Classification: Likely benign for Inborn genetic diseases. Last evaluated: 2021-08-02. Review status: criteria provided, single submitter. Criteria: Ambry Variant Classification Scheme 2023. Collection method: clinical testing. Allele origin: germline.